The following is an entry in ClinVar:

ClinVar aggregate classification (germline): Uncertain significance (1 of 4 stars; one submission).

Conditions:
Neuronal ceroid lipofuscinosis 13 (CLN13). Also called: CEROID LIPOFUSCINOSIS, NEURONAL, 13 (KUFS TYPE); CLN13 Disease. Identifiers: Orphanet 352709, Orphanet 79262, MedGen C3715049, MONDO:0014147, OMIM 615362.

Submission:

Labcorp Genetics (formerly Invitae), Labcorp
Classification: Uncertain significance for Neuronal ceroid lipofuscinosis 13. Last evaluated: 2022-04-08. Review status: criteria provided, single submitter. Criteria: Invitae Variant Classification Sherloc (09022015). Collection method: clinical testing. Allele origin: germline.
Comment: In summary, the available evidence is currently insufficient to determine the role of this variant in disease. Therefore, it has been classified as a Variant of Uncertain Significance. Algorithms developed to predict the effect of missense changes on protein structure and function are either unavailable or do not agree on the potential impact of this missense change (SIFT: "Tolerated"; PolyPhen-2: "Not Available"; Align-GVGD: "Class C0"). This variant has not been reported in the literature in individuals affected with CTSF-related conditions. This variant is not present in population databases (gnomAD no frequency). This sequence change replaces alanine, which is neutral and non-polar, with proline, which is neutral and non-polar, at codon 26 of the CTSF protein (p.Ala26Pro).

NM_003793.4(CTSF):c.76G>C (p.Ala26Pro)

Gene: CTSF (cathepsin F; minus strand). Cytogenetic location: 11q13.2.
Variant type: single nucleotide variant.
Coding change: c.76G>C on transcript NM_003793.4 (MANE Select); coding-DNA position 76, G replaced by C.
Protein change: p.Ala26Pro; replaces alanine 26 with proline.
Molecular consequence: missense variant.
Genome position (GRCh38, 1-based): chr11:66,568,411, C>G on the plus strand (G>C on the coding strand, the complement: CTSF is on the minus strand). VCF-style: chr11-66568411-C-G. GRCh37 (hg19) VCF-style: chr11-66335882-C-G.
Other names: short protein forms A26P.
Identifiers: ClinVar variation 1937095 (VCV001937095.5), dbSNP rs2495286470, ClinGen allele CA381468507.